The following is an entry in ClinVar:

ClinVar aggregate classification (germline): Pathogenic/Likely pathogenic. Review status: criteria provided, multiple submitters, no conflicts (2 of 4 stars). 4 submissions from 4 submitters: Pathogenic (3); Likely pathogenic (1). Last evaluated 2025-11-13.

Conditions:
Hereditary cancer-predisposing syndrome. Also called: Tumor predisposition; Neoplastic Syndromes, Hereditary; Hereditary Cancer Syndrome; Hereditary neoplastic syndrome. Identifiers: Orphanet 140162, MedGen C0027672, MeSH D009386, MONDO:0015356.
Lynch syndrome 4 (LYNCH4). Also called: Hereditary non-polyposis colorectal cancer, type 4; Colorectal cancer, hereditary nonpolyposis, type 4. Identifiers: Orphanet 144, MedGen C1838333, MONDO:0013699, OMIM 614337. Disease mechanism: loss of function.
Hereditary nonpolyposis colorectal neoplasms. Identifiers: MedGen C0009405, MeSH D003123.

Submissions (4):

Labcorp Genetics (formerly Invitae), Labcorp
Classification: Pathogenic for Hereditary nonpolyposis colorectal neoplasms. Last evaluated: 2025-11-13. Review status: criteria provided, single submitter. Criteria: Invitae Variant Classification Sherloc (09022015). Collection method: clinical testing. Allele origin: germline.
Comment: This sequence change creates a premature translational stop signal (p.Phe242Leufs*16) in the PMS2 gene. It is expected to result in an absent or disrupted protein product. Loss-of-function variants in PMS2 are known to be pathogenic (PMID: 21376568, 24362816). This variant is not present in population databases (gnomAD no frequency). This variant has not been reported in the literature in individuals affected with PMS2-related conditions. ClinVar contains an entry for this variant (Variation ID: 801248). For these reasons, this variant has been classified as Pathogenic.

Quest Diagnostics Nichols Institute San Juan Capistrano
Classification: Likely pathogenic. Last evaluated: 2024-12-05. Review status: criteria provided, single submitter. Criteria: Quest Diagnostics criteria. Collection method: clinical testing. Allele origin: unknown.
Comment: The PMS2 c.726del (p.Phe242Leufs*16) variant alters the translational reading frame of the PMS2 mRNA and is predicted to cause the premature termination of PMS2 protein synthesis. This variant has not been reported in individuals with PMS2-related conditions in the published literature. This variant has not been reported in large, multi-ethnic general populations (Genome Aggregation Database). Based on the available information, this variant is classified as likely pathogenic.

Myriad Genetics, Inc.
Classification: Pathogenic for Lynch syndrome 4. Last evaluated: 2023-09-19. Review status: criteria provided, single submitter. Criteria: Myriad Autosomal Dominant, Autosomal Recessive and X-Linked Classification Criteria (2023). Collection method: clinical testing. Allele origin: unknown.
Comment: This variant is considered pathogenic. This variant creates a frameshift predicted to result in premature protein truncation.

Ambry Genetics
Classification: Pathogenic for Hereditary cancer-predisposing syndrome. Last evaluated: 2023-06-26. Review status: criteria provided, single submitter. Criteria: Ambry Variant Classification Scheme 2023. Collection method: clinical testing. Allele origin: germline.
Comment: The c.726delT pathogenic mutation, located in coding exon 7 of the PMS2 gene, results from a deletion of one nucleotide at nucleotide position 726, causing a translational frameshift with a predicted alternate stop codon (p.F242Lfs*16). This alteration is expected to result in loss of function by premature protein truncation or nonsense-mediated mRNA decay. As such, this alteration is interpreted as a disease-causing mutation.

Literature cited by the submitters: PubMed 21376568 (cited by Labcorp Genetics (formerly Invitae), Labcorp); PubMed 24362816 (cited by Labcorp Genetics (formerly Invitae), Labcorp).

NM_000535.7(PMS2):c.726del (p.Phe242fs)

Gene: PMS2 (PMS1 homolog 2, mismatch repair system component; minus strand). Cytogenetic location: 7p22.1.
Variant type: Deletion.
Coding change: c.726del on transcript NM_000535.7 (MANE Select); coding-DNA position 726, one base deleted (T; older notation c.726delT).
Protein change: p.Phe242fs; shifts the reading frame from phenylalanine 242.
Molecular consequence: frameshift variant. On other transcripts: 5 prime UTR variant (2), non-coding transcript variant (1).
Genome position (GRCh38, 1-based): chr7:5,997,403, A deleted on the plus strand (T on the coding strand, the reverse complement: PMS2 is on the minus strand); the first of 4 consecutive A bases (chr7:5,997,403-5,997,406); deleting any one gives the same sequence. VCF-style (leftmost placement, unchanged base first): chr7-5997402-CA-C. GRCh37 (hg19) VCF-style: chr7-6037033-CA-C.
Other names: c.321del, p.Phe107fs (NM_001322003.2, NM_001322004.2, NM_001322005.2 and 2 more transcripts); c.726del, p.Phe242fs (NM_001322006.2, NM_001322014.2); c.408del, p.Phe136fs (NM_001322007.2, NM_001322008.2); c.-208del (NM_001322011.2, NM_001322012.2); c.153del, p.Phe51fs (NM_001322013.2); c.417del, p.Phe139fs (NM_001322015.2); short protein forms F107fs, F139fs, F136fs, F51fs, F242fs.
Identifiers: ClinVar variation 801248 (VCV000801248.9), dbSNP rs1583375132, ClinGen allele CA915944832.